The following is an entry in ClinVar:

ClinVar aggregate classification (germline): Uncertain significance (1 of 4 stars; one submission).

Allele frequency attached by ClinVar (database versions not stated): gnomAD 0.00001; gnomAD exomes 0.00001.
gnomAD v4.1: 10 of 1,190,497 alleles (0.00084%); highest among the groups gnomAD compares: Non-Finnish European, 0.001%; no homozygotes.

Submission:

Labcorp Genetics (formerly Invitae), Labcorp
Classification: Uncertain significance. Last evaluated: 2022-04-23. Review status: criteria provided, single submitter. Criteria: Invitae Variant Classification Sherloc (09022015). Collection method: clinical testing. Allele origin: germline.
Comment: This sequence change replaces threonine, which is neutral and polar, with proline, which is neutral and non-polar, at codon 221 of the PAK3 protein (p.Thr221Pro). This variant is present in population databases (no rsID available, gnomAD 0.001%). This variant has not been reported in the literature in individuals affected with PAK3-related conditions. Algorithms developed to predict the effect of missense changes on protein structure and function are either unavailable or do not agree on the potential impact of this missense change (SIFT: "Not Available"; PolyPhen-2: "Benign"; Align-GVGD: "Not Available"). In summary, the available evidence is currently insufficient to determine the role of this variant in disease. Therefore, it has been classified as a Variant of Uncertain Significance.

NM_002578.5(PAK3):c.661A>C (p.Thr221Pro)

Gene: PAK3 (p21 (RAC1) activated kinase 3; plus strand). Cytogenetic location: Xq23.
Variant type: single nucleotide variant.
Coding change: c.661A>C on transcript NM_002578.5 (MANE Select); coding-DNA position 661, A replaced by C.
Protein change: p.Thr221Pro; replaces threonine 221 with proline.
Molecular consequence: missense variant. On other transcripts: non-coding transcript variant (2).
Genome position (GRCh38, 1-based): chrX:111,163,622, A>C. VCF-style: chrX-111163622-A-C. GRCh37 (hg19) VCF-style: chrX-110406850-A-C.
Other names: c.661A>C, p.Thr221Pro (NM_001128166.3, NM_001128167.3, NM_001324325.2 and 5 more transcripts); c.769A>C, p.Thr257Pro (NM_001128168.3); c.724A>C, p.Thr242Pro (NM_001128172.2); c.706A>C, p.Thr236Pro (NM_001128173.3, NM_001324327.2, NM_001324328.2 and 2 more transcripts); short protein forms T221P, T236P, T242P, T257P.
Identifiers: ClinVar variation 1460938 (VCV001460938.6), dbSNP rs1044245561, ClinGen allele CA334401958.